The following is an entry in ClinVar:

ClinVar aggregate classification (germline): Uncertain significance. Review status: criteria provided, multiple submitters, no conflicts (2 of 4 stars). 2 submissions from 2 submitters: Uncertain significance (2). Last evaluated 2021-01-27.

Conditions:
Emery-Dreifuss muscular dystrophy 4, autosomal dominant (EDMD4). Also called: EMERY-DREIFUSS MUSCULAR DYSTROPHY 4 WITH VARIABLE FEATURES. Identifiers: Orphanet 261, MedGen C2751807, MONDO:0013071, OMIM 612998.
Autosomal recessive ataxia, Beauce type. Also called: Spinocerebellar ataxia, autosomal recessive 8; ATAXIA, RECESSIVE, OF BEAUCE; SYNE1-Related Autosomal Recessive Cerebellar Ataxia; SYNE1 Deficiency. Identifiers: Orphanet 88644, MedGen C1853116, MONDO:0012549, OMIM 610743.

Allele frequency attached by ClinVar (database versions not stated): gnomAD exomes 0.00006 and 0.00007; ExAC 0.00007; gnomAD below 0.00001 and 0.00003.
gnomAD v4.1: 89 of 1,614,048 alleles (0.0055%); highest among the groups gnomAD compares: South Asian, 0.091%; 5 homozygotes.

Submissions (2):

Revvity Omics, Revvity
Classification: Uncertain significance. Last evaluated: 2021-01-27. Review status: criteria provided, single submitter. Criteria: ACMG Guidelines, 2015. Collection method: clinical testing. Allele origin: germline.

Labcorp Genetics (formerly Invitae), Labcorp
Classification: Uncertain significance for Emery-Dreifuss muscular dystrophy 4, autosomal dominant; Spinocerebellar ataxia, autosomal recessive 8. Last evaluated: 2018-07-29. Review status: criteria provided, single submitter. Criteria: Invitae Variant Classification Sherloc (09022015). Collection method: clinical testing. Allele origin: germline.
Comment: This sequence change replaces valine with aspartic acid at codon 3875 of the SYNE1 protein (p.Val3875Asp). The valine residue is moderately conserved and there is a large physicochemical difference between valine and aspartic acid. This variant is present in population databases (rs750372071, ExAC 0.04%). This variant has not been reported in the literature in individuals with SYNE1-related disease. Algorithms developed to predict the effect of missense changes on protein structure and function are either unavailable or do not agree on the potential impact of this missense change (SIFT: "Deleterious"; PolyPhen-2: "Benign"; Align-GVGD: "Class C0"). In summary, the available evidence is currently insufficient to determine the role of this variant in disease. Therefore, it has been classified as a Variant of Uncertain Significance.

NM_182961.4(SYNE1):c.11669T>A (p.Val3890Asp)

Gene: SYNE1 (spectrin repeat containing nuclear envelope protein 1; minus strand). Cytogenetic location: 6q25.2.
Variant type: single nucleotide variant.
Coding change: c.11669T>A on transcript NM_182961.4 (MANE Select); coding-DNA position 11669, T replaced by A.
Protein change: p.Val3890Asp; replaces valine 3890 with aspartic acid.
Molecular consequence: missense variant.
Genome position (GRCh38, 1-based): chr6:152,350,682, A>T on the plus strand (T>A on the coding strand, the complement: SYNE1 is on the minus strand). VCF-style: chr6-152350682-A-T. GRCh37 (hg19) VCF-style: chr6-152671817-A-T.
Other names: c.11624T>A, p.Val3875Asp (NM_033071.5); short protein forms V3875D, V3890D.
Identifiers: ClinVar variation 664618 (VCV000664618.4), dbSNP rs750372071, ClinGen allele CA4056625.
Genomic context (GRCh38, chr6:152,350,682, plus strand): 5'-CCTATGCTGCACAGGTCCTGGTAATCACTTTGAAGTTGATCTATTTTGTCCTTTAAAGTG[A>T]CGTCCTGCACCAGTTCCAAAAGAGCTTCACCCTTCTCTCTCACTGACTTTACTGATGGTT-3'
Protein context (NP_892006.3, residues 3880-3900): GEALLELVQD[Val3890Asp]TLKDKIDQLQ